The following is an entry in ClinVar:

ClinVar aggregate classification (germline): Benign/Likely benign. Review status: criteria provided, multiple submitters, no conflicts (2 of 4 stars). 3 submissions from 3 submitters: Benign (1); Likely benign (2). Last evaluated 2026-01-24.

Conditions:
Nemaline myopathy 2 (NEM2). Also called: Nemaline myopathy 2, autosomal recessive. Identifiers: MedGen C1850569, MONDO:0009725, OMIM 256030.

Submissions (3):

Labcorp Genetics (formerly Invitae), Labcorp
Classification: Benign for Nemaline myopathy 2. Last evaluated: 2026-01-24. Review status: criteria provided, single submitter. Criteria: Invitae Variant Classification Sherloc (09022015). Collection method: clinical testing. Allele origin: germline.

CeGaT Center for Human Genetics Tuebingen
Classification: Likely benign. Last evaluated: 2025-04-01. Review status: criteria provided, single submitter. Criteria: CeGaT Center For Human Genetics Tuebingen Variant Classification Criteria Version 2. Collection method: clinical testing. Allele origin: germline. Affected: yes. Observed: 2 variant alleles.
Comment: NEB: BP4

Blueprint Genetics
Classification: Likely benign. Last evaluated: 2024-07-09. Review status: criteria provided, single submitter. Criteria: ACMG Guidelines, 2015. Collection method: clinical testing. Allele origin: germline.

NM_001164508.2(NEB):c.8890-6dup

Gene: NEB (nebulin; minus strand). Cytogenetic location: 2q23.3.
Variant type: Duplication.
Coding change: c.8890-6dup on transcript NM_001164508.2 (MANE Select); 6 bases into the intron before coding-DNA position 8890, one base duplicated (T; older notation c.8890-6dupT).
Molecular consequence: intron variant.
Genome position (GRCh38, 1-based): chr2:151,639,390, A duplicated on the plus strand (T on the coding strand, the reverse complement: NEB is on the minus strand); the first of 8 consecutive A bases (chr2:151,639,390-151,639,397); duplicating any one gives the same sequence. VCF-style (leftmost placement, unchanged base first): chr2-151639389-C-CA. GRCh37 (hg19) VCF-style: chr2-152495903-C-CA.
Other names: c.8853+503dup (NM_004543.5); c.8890-6dup (NM_001164507.2, NM_001271208.2).
Identifiers: ClinVar variation 1930342 (VCV001930342.24), dbSNP rs771652505, ClinGen allele CA1909467.
Genomic context (GRCh38, chr2:151,639,389, plus strand): 5'-TCTGGCATTATGTGGATCTGAGTCTTGTCTTTGTCCCAGGCTTCTGTGTATAAACGCTAT[C>CA]AAAAAAAATACACAAATTCATCAGGAAAAAAGTTCTGTGTATAGTTAATAGGAATTTTAG-3'